The following is an entry in ClinVar:

ClinVar aggregate classification (germline): Uncertain significance (0 of 4 stars; one submission).

Conditions:
MAGEL2-related disorder. Also called: MAGEL2-related condition.

Submission:

PreventionGenetics, part of Exact Sciences
Classification: Uncertain significance for MAGEL2-related condition. Last evaluated: 2024-04-19. Review status: no assertion criteria provided. Collection method: clinical testing. Allele origin: germline.
Comment: The MAGEL2 c.1890_1904delinsTGT variant is predicted to result in an in-frame deletion and insertion. To our knowledge, this variant has not been reported in the literature or in a large population database, indicating this variant is rare. At this time, the clinical significance of this variant is uncertain due to the absence of conclusive functional and genetic evidence.

NM_019066.5(MAGEL2):c.1890_1904delinsTGT (p.Pro631_Ala635delinsVal)

Gene: MAGEL2 (MAGE family member L2; minus strand). Cytogenetic location: 15q11.2.
Variant type: Indel.
Coding change: c.1890_1904delinsTGT on transcript NM_019066.5 (MANE Select); coding-DNA positions 1890 to 1904, GCCTGCCCAGGAGGC replaced by TGT.
Protein change: p.Pro631_Ala635delinsVal.
Molecular consequence: inframe indel.
Genome position (GRCh38, 1-based): chr15:23,645,839-23,645,853, GCCTCCTGGGCAGGC replaced by ACA on the plus strand (GCCTGCCCAGGAGGC replaced by TGT on the coding strand, the reverse complement: MAGEL2 is on the minus strand). VCF-style: chr15-23645839-GCCTCCTGGGCAGGC-ACA. GRCh37 (hg19) VCF-style: chr15-23890986-GCCTCCTGGGCAGGC-ACA.
Identifiers: ClinVar variation 3349771 (VCV003349771.1).